The following is an entry in ClinVar:

NM_002295.6(RPSA):c.433A>G (p.Ile145Val)

Gene: RPSA (ribosomal protein SA; plus strand). Cytogenetic location: 3p22.1.
Variant type: single nucleotide variant.
Coding change: c.433A>G on transcript NM_002295.6 (MANE Select); coding-DNA position 433, A replaced by G.
Protein change: p.Ile145Val; replaces isoleucine 145 with valine.
Molecular consequence: missense variant.
Genome position (GRCh38, 1-based): chr3:39,410,934, A>G. VCF-style: chr3-39410934-A-G. GRCh37 (hg19) VCF-style: chr3-39452425-A-G.
Other names: c.448A>G, p.Ile150Val (NM_001304288.2); c.433A>G (NM_002295.4); short protein forms I150V, I145V.
Identifiers: ClinVar variation 1498092 (VCV001498092.7), dbSNP rs759760762, ClinGen allele CA2327776.
Genomic context (GRCh38, chr3:39,410,934, plus strand): 5'-ACTGACCCCAGGGCTGACCACCAGCCTCTCACGGAGGCATCTTATGTTAACCTACCTACC[A>G]TTGCGCTGTGTAACACAGATTCTCCTCTGCGCTATGTGGACATTGCCATCCCATGCAACA-3'
Protein context (NP_002286.2, residues 135-155): TEASYVNLPT[Ile145Val]ALCNTDSPLR

ClinVar aggregate classification (germline): Uncertain significance. Review status: criteria provided, multiple submitters, no conflicts (2 of 4 stars). 2 submissions from 2 submitters: Uncertain significance (2). Last evaluated 2026-01-12.

Allele frequency attached by ClinVar (database versions not stated): ExAC 0.00001; gnomAD 0.00003 and 0.00004; TOPMed 0.00003; gnomAD exomes 0.00004 and 0.00010.
gnomAD v4.1: 152 of 1,593,616 alleles (0.0095%); highest among the groups gnomAD compares: Non-Finnish European, 0.013%; no homozygotes.

Submissions (2):

Labcorp Genetics (formerly Invitae), Labcorp
Classification: Uncertain significance. Last evaluated: 2026-01-12. Review status: criteria provided, single submitter. Criteria: Invitae Variant Classification Sherloc (09022015). Collection method: clinical testing. Allele origin: germline.
Comment: This sequence change replaces isoleucine, which is neutral and non-polar, with valine, which is neutral and non-polar, at codon 145 of the RPSA protein (p.Ile145Val). This variant is present in population databases (rs759760762, gnomAD 0.006%). This variant has not been reported in the literature in individuals affected with RPSA-related conditions. ClinVar contains an entry for this variant (Variation ID: 1498092). Invitae Evidence Modeling of protein sequence and biophysical properties (such as structural, functional, and spatial information, amino acid conservation, physicochemical variation, residue mobility, and thermodynamic stability) indicates that this missense variant is not expected to disrupt RPSA protein function with a negative predictive value of 80%. In summary, the available evidence is currently insufficient to determine the role of this variant in disease. Therefore, it has been classified as a Variant of Uncertain Significance.

Ambry Genetics
Classification: Uncertain significance. Last evaluated: 2025-01-09. Review status: criteria provided, single submitter. Criteria: Ambry Variant Classification Scheme 2023. Collection method: clinical testing. Allele origin: germline.